The following is an entry in ClinVar:

ClinVar aggregate classification (germline): Uncertain significance (1 of 4 stars; one submission).

Conditions:
FGFR2-related craniosynostosis. Identifiers: MedGen CN231480.

gnomAD v4.1: 3 of 1,614,162 alleles (0.00019%); highest among the groups gnomAD compares: Non-Finnish European, 0.00025%; no homozygotes.

Submission:

Labcorp Genetics (formerly Invitae), Labcorp
Classification: Uncertain significance for FGFR2-related craniosynostosis. Last evaluated: 2024-05-17. Review status: criteria provided, single submitter. Criteria: Invitae Variant Classification Sherloc (09022015). Collection method: clinical testing. Allele origin: germline.
Comment: This sequence change replaces arginine, which is basic and polar, with leucine, which is neutral and non-polar, at codon 178 of the FGFR2 protein (p.Arg178Leu). This variant is present in population databases (no rsID available, gnomAD 0.0009%). This variant has not been reported in the literature in individuals affected with FGFR2-related conditions. Advanced modeling of protein sequence and biophysical properties (such as structural, functional, and spatial information, amino acid conservation, physicochemical variation, residue mobility, and thermodynamic stability) performed at Invitae indicates that this missense variant is expected to disrupt FGFR2 protein function with a positive predictive value of 95%. In summary, the available evidence is currently insufficient to determine the role of this variant in disease. Therefore, it has been classified as a Variant of Uncertain Significance.

NM_000141.5(FGFR2):c.533G>T (p.Arg178Leu)

Gene: FGFR2 (fibroblast growth factor receptor 2; minus strand). Cytogenetic location: 10q26.13.
Variant type: single nucleotide variant.
Coding change: c.533G>T on transcript NM_000141.5 (MANE Select); coding-DNA position 533, G replaced by T.
Protein change: p.Arg178Leu; replaces arginine 178 with leucine.
Molecular consequence: missense variant. On other transcripts: non-coding transcript variant (1).
Genome position (GRCh38, 1-based): chr10:121,551,381, C>A on the plus strand (G>T on the coding strand, the complement: FGFR2 is on the minus strand). VCF-style: chr10-121551381-C-A. GRCh37 (hg19) VCF-style: chr10-123310895-C-A.
Other names: c.533G>T, p.Arg178Leu (NM_022970.4, NM_001144913.1, NM_001144914.1 and 2 more transcripts); c.266G>T, p.Arg89Leu (NM_023029.3, NM_001144915.2, NM_001144919.2); c.188G>T, p.Arg63Leu (NM_001144916.2, NM_001144918.2); short protein forms R89L, R178L, R63L.
Identifiers: ClinVar variation 3653688 (VCV003653688.2).